The following is an entry in ClinVar:

NM_000453.3(SLC5A5):c.839+1G>A

Gene: SLC5A5 (solute carrier family 5 member 5; plus strand). Cytogenetic location: 19p13.11.
Variant type: single nucleotide variant.
Coding change: c.839+1G>A on transcript NM_000453.3 (MANE Select); the canonical splice donor site of the intron after coding-DNA position 839, G replaced by A.
Molecular consequence: splice donor variant.
Genome position (GRCh38, 1-based): chr19:17,877,864, G>A. VCF-style: chr19-17877864-G-A. GRCh37 (hg19) VCF-style: chr19-17988673-G-A.
Identifiers: ClinVar variation 2703263 (VCV002703263.3), dbSNP rs2514624226, ClinGen allele CA404784077.

ClinVar aggregate classification (germline): Likely pathogenic (1 of 4 stars; one submission).

Submission:

Labcorp Genetics (formerly Invitae), Labcorp
Classification: Likely pathogenic. Last evaluated: 2023-12-14. Review status: criteria provided, single submitter. Criteria: Invitae Variant Classification Sherloc (09022015). Collection method: clinical testing. Allele origin: germline.
Comment: This sequence change affects a donor splice site in intron 6 of the SLC5A5 gene. It is expected to disrupt RNA splicing. Variants that disrupt the donor or acceptor splice site typically lead to a loss of protein function (PMID: 16199547), and loss-of-function variants in SLC5A5 are known to be pathogenic (PMID: 9388506, 9486973). This variant is not present in population databases (gnomAD no frequency). This variant has not been reported in the literature in individuals affected with SLC5A5-related conditions. Algorithms developed to predict the effect of sequence changes on RNA splicing suggest that this variant may disrupt the consensus splice site. In summary, the currently available evidence indicates that the variant is pathogenic, but additional data are needed to prove that conclusively. Therefore, this variant has been classified as Likely Pathogenic.

Literature cited by the submitters: PubMed 16199547; PubMed 9388506; PubMed 9486973.